The following is an entry in ClinVar:

ClinVar aggregate classification (germline): Uncertain significance (1 of 4 stars; one submission).

Submission:

Laboratory for Molecular Medicine, Mass General Brigham Personalized Medicine
Classification: Uncertain significance. Last evaluated: 2015-12-23. Review status: criteria provided, single submitter. Criteria: LMM Criteria. Collection method: clinical testing. Allele origin: germline. Observed: 1 variant allele.
Comment: Variant classified as Uncertain Significance - Favor Pathogenic. The p.Glu10865L ys variant in TTN has not been previously reported in individuals with cardiomyo pathy or in large population studies. This variant changes an amino acid but is also located in the last base of the exon, which is part of the 5? splice region . It is predicted to abolish splicing by computational tools but their accuracy is not known. In summary, while there is some suspicion for a pathogenic role, t he clinical significance of the p.Glu10865Lys variant is uncertain.

NM_001267550.2(TTN):c.39895G>A (p.Glu13299Lys)

Gene: TTN (titin; minus strand). Cytogenetic location: 2q31.2.
Variant type: single nucleotide variant.
Coding change: c.39895G>A on transcript NM_001267550.2 (MANE Select); coding-DNA position 39895, G replaced by A.
Protein change: p.Glu13299Lys; replaces glutamic acid 13299 with lysine.
Molecular consequence: missense variant. On other transcripts: intron variant (3).
Genome position (GRCh38, 1-based): chr2:178,649,817, C>T on the plus strand (G>A on the coding strand, the complement: TTN is on the minus strand). VCF-style: chr2-178649817-C-T. GRCh37 (hg19) VCF-style: chr2-179514544-C-T.
Other names: c.35374G>A, p.Glu11792Lys (NM_001256850.1); c.13283-7500G>A (NM_003319.4); c.13859-7500G>A (NM_133437.4); c.13658-7500G>A (NM_133432.3); c.32593G>A, p.Glu10865Lys (NM_133378.4); short protein forms E10865K, E13299K, E11792K.
Identifiers: ClinVar variation 229429 (VCV000229429.5), dbSNP rs758166967, ClinGen allele CA10576537.
Genomic context (GRCh38, chr2:178,649,817, plus strand): 5'-TAAGAAGAGTGTAAAATTGTAGACACCACAAAAATGAAGTATTCATTTTAACATGAGTAC[C>T]TTTAGGAGGCGGTGCTTCTGGTTTTTTGATGACAGGAACTTTCTTCTCTGGGATGATCTT-3'
Protein context (NP_001254479.2, residues 13289-13309): IKKPEAPPPK[Glu13299Lys]PEMPKKVVPV